The following is an entry in ClinVar:

NM_020461.4(TUBGCP6):c.1624A>G (p.Ser542Gly)

Gene: TUBGCP6 (tubulin gamma complex component 6; minus strand). Cytogenetic location: 22q13.33.
Variant type: single nucleotide variant.
Coding change: c.1624A>G on transcript NM_020461.4 (MANE Select); coding-DNA position 1624, A replaced by G.
Protein change: p.Ser542Gly; replaces serine 542 with glycine.
Molecular consequence: missense variant.
Genome position (GRCh38, 1-based): chr22:50,226,356, T>C on the plus strand (A>G on the coding strand, the complement: TUBGCP6 is on the minus strand). VCF-style: chr22-50226356-T-C. GRCh37 (hg19) VCF-style: chr22-50664785-T-C.
Other names: short protein forms S542G.
Identifiers: ClinVar variation 1369321 (VCV001369321.4), dbSNP rs753064145, ClinGen allele CA412106437.

ClinVar aggregate classification (germline): Uncertain significance (1 of 4 stars; one submission).

Allele frequency attached by ClinVar (database versions not stated): gnomAD exomes 0.00001; TOPMed 0.00001.
gnomAD v4.1: 12 of 1,611,686 alleles (0.00074%); highest among the groups gnomAD compares: East Asian, 0.0022%; no homozygotes.

Submission:

Labcorp Genetics (formerly Invitae), Labcorp
Classification: Uncertain significance. Last evaluated: 2022-06-13. Review status: criteria provided, single submitter. Criteria: Invitae Variant Classification Sherloc (09022015). Collection method: clinical testing. Allele origin: germline.
Comment: In summary, the available evidence is currently insufficient to determine the role of this variant in disease. Therefore, it has been classified as a Variant of Uncertain Significance. Algorithms developed to predict the effect of missense changes on protein structure and function are either unavailable or do not agree on the potential impact of this missense change (SIFT: "Tolerated"; PolyPhen-2: "Possibly Damaging"; Align-GVGD: "Class C0"). This variant has not been reported in the literature in individuals affected with TUBGCP6-related conditions. This variant is present in population databases (no rsID available, gnomAD 0.0009%). This sequence change replaces serine, which is neutral and polar, with glycine, which is neutral and non-polar, at codon 542 of the TUBGCP6 protein (p.Ser542Gly).